The following is an entry in ClinVar:

NC_000003.12:g.169764795G>A

Genes: TERC (telomerase RNA component; minus strand), LOC110806306 (telomerase RNA component (TERC) promoter; plus strand). Cytogenetic location: 3q26.2.
Variant type: single nucleotide variant.
Genome position: GRCh38 VCF-style: chr3-169764795-G-A. GRCh37 (hg19) VCF-style: chr3-169482583-G-A.
Identifiers: ClinVar variation 1035376 (VCV001035376.10), dbSNP rs1777960682, ClinGen allele CA436715223.
Genomic context (GRCh38, chr3:169,764,795, plus strand): 5'-CCCGCGGCTGACAGAGCCCAACTCTTCGCGGTGGCAGTGGGTGCCTCCGGAGAAGCCCCG[G>A]GCCGACCGCGGCCTCCAGGCGGGGTTCGGGGGCTGGGCAGGCGACCCGCCGCAGGTCCCC-3'

ClinVar aggregate classification (germline): Uncertain significance (1 of 4 stars; one submission).

Conditions:
Dyskeratosis congenita, autosomal dominant 1 (DKCA1). Also called: Dyskeratosis congenita Scoggins type. Identifiers: Orphanet 1775, MedGen C4551974, MONDO:0007485, OMIM 127550. Inheritance: Variable.

Submission:

Labcorp Genetics (formerly Invitae), Labcorp
Classification: Uncertain significance for Dyskeratosis congenita, autosomal dominant 1. Last evaluated: 2025-12-06. Review status: criteria provided, single submitter. Criteria: Invitae Variant Classification Sherloc (09022015). Collection method: clinical testing. Allele origin: germline.
Comment: This variant occurs in the TERC gene, which encodes an RNA molecule that does not result in a protein product. This variant is not present in population databases (gnomAD no frequency). This variant has not been reported in the literature in individuals affected with TERC-related conditions. ClinVar contains an entry for this variant (Variation ID: 1035376). This variant is located within the conserved regions 4 and 5 (CR4-CR5) domain of the TERC RNA component, which is required for telomerase activity (PMID: 15082312, 21844345). In summary, the available evidence is currently insufficient to determine the role of this variant in disease. Therefore, it has been classified as a Variant of Uncertain Significance.

Literature cited by the submitters: PubMed 15082312; PubMed 21844345.